The following is an entry in ClinVar:

NM_000128.4(F11):c.*885G>A

Genes: F11 (coagulation factor XI; plus strand), F11-AS1 (F11 antisense RNA 1; minus strand). Cytogenetic location: 4q35.2.
Variant type: single nucleotide variant.
Coding change: c.*885G>A on transcript NM_000128.4 (MANE Select); 885 bases downstream of the stop codon, G replaced by A.
Molecular consequence: 3 prime UTR variant.
Genome position (GRCh38, 1-based): chr4:186,289,499, G>A. VCF-style: chr4-186289499-G-A. GRCh37 (hg19) VCF-style: chr4-187210653-G-A.
Identifiers: ClinVar variation 348392 (VCV000348392.5), dbSNP rs4253432, ClinGen allele CA10618470.
Genomic context (GRCh38, chr4:186,289,499, plus strand): 5'-TTTATTTGACAAAAATCACCATAGACTGCATCCATACTACAGAGAAAAAACAATTAGGGC[G>A]CAAATGGATAGTTACAGTAAAGTCTTCAGCAAGCAGCTGCCTGTATTCTAAGCACTGGGA-3'

ClinVar aggregate classification (germline): Benign (1 of 4 stars; one submission).

Conditions:
Hereditary factor XI deficiency disease. Also called: PLASMA THROMBOPLASTIN ANTECEDENT DEFICIENCY; PTA DEFICIENCY; ROSENTHAL SYNDROME; Congenital factor XI deficiency. Identifiers: Orphanet 329, MedGen C0015523, MeSH D005173, MONDO:0012897, OMIM 612416.

Allele frequency attached by ClinVar (database versions not stated): gnomAD 0.01202 and 0.01236; TOPMed 0.01236; 1000 Genomes Project 0.01398; 1000 Genomes Project 30x 0.01452.
gnomAD v4.1: 1,812 of 152,192 alleles (1.2%); highest among the groups gnomAD compares: African/African-American, 2.6%; 14 homozygotes.

Submission:

Illumina Laboratory Services, Illumina
Classification: Benign for Hereditary factor XI deficiency disease. Last evaluated: 2018-01-13. Review status: criteria provided, single submitter. Criteria: ICSL Variant Classification Criteria 13 December 2019. Collection method: clinical testing. Allele origin: germline.
Comment: This variant was observed in the ICSL laboratory as part of a predisposition screen in an ostensibly healthy population. It had not been previously curated by ICSL or reported in the Human Gene Mutation Database (HGMD: prior to June 1st, 2018), and was therefore a candidate for classification through an automated scoring system. Utilizing variant allele frequency, disease prevalence and penetrance estimates, and inheritance mode, an automated score was calculated to assess if this variant is too frequent to cause the disease. Based on the score and internal cut-off values, a variant classified as benign is not then subjected to further curation. The score for this variant resulted in a classification of benign for this disease.